The following is an entry in ClinVar:

NM_000092.5(COL4A4):c.1988-8_1988-7del

Gene: COL4A4 (collagen type IV alpha 4 chain; minus strand). Cytogenetic location: 2q36.3.
Variant type: Deletion.
Coding change: c.1988-8_1988-7del on transcript NM_000092.5 (MANE Select); 8 bases into the intron before coding-DNA position 1988 through 7 bases into the intron before coding-DNA position 1988, 2 bases deleted (CA; older notation c.1988-8_1988-7delCA).
Molecular consequence: intron variant.
Genome position (GRCh38, 1-based): chr2:227,062,605-227,062,606, TG deleted on the plus strand (CA on the coding strand, the reverse complement: COL4A4 is on the minus strand). VCF-style (leftmost placement, unchanged base first): chr2-227062604-ATG-A. GRCh37 (hg19) VCF-style: chr2-227927320-ATG-A.
Other names: c.1988-8_1988-7delCA (NM_000092.4).
Identifiers: ClinVar variation 1666927 (VCV001666927.9), dbSNP rs2150313015, ClinGen allele CA2573135426.

ClinVar aggregate classification (germline): Likely benign. Review status: criteria provided, multiple submitters, no conflicts (2 of 4 stars). 2 submissions from 2 submitters: Likely benign (2). Last evaluated 2026-04-27.

Conditions:
COL4A4-related disorder.

Submissions (2):

PreventionGenetics, part of Exact Sciences
Classification: Likely benign for COL4A4-related condition. Last evaluated: 2026-04-27. Review status: criteria provided, single submitter. Criteria: ACMG Guidelines, 2015. Collection method: clinical testing. Allele origin: germline.
Comment: This variant is classified as likely benign based on ACMG/AMP sequence variant interpretation guidelines (Richards et al. 2015 PMID: 25741868, with internal and published modifications).

Labcorp Genetics (formerly Invitae), Labcorp
Classification: Likely benign. Last evaluated: 2020-12-28. Review status: criteria provided, single submitter. Criteria: Invitae Variant Classification Sherloc (09022015). Collection method: clinical testing. Allele origin: germline.